The following is an entry in ClinVar:

ClinVar aggregate classification (germline): Uncertain significance. Review status: criteria provided, multiple submitters, no conflicts (2 of 4 stars). 2 submissions from 2 submitters: Uncertain significance (2). Last evaluated 2024-12-07.

Conditions:
Generalized epilepsy-paroxysmal dyskinesia syndrome (PNKD3). Also called: Generalized epilepsy and paroxysmal dyskinesia; Paroxysmal nonkinesigenic dyskinesia, 3, with or without generalized epilepsy. Identifiers: Orphanet 79137, MedGen C5574945, MONDO:0012276, OMIM 609446.

Allele frequency attached by ClinVar (database versions not stated): gnomAD exomes 0.00001.
gnomAD v4.1: 8 of 1,614,134 alleles (0.0005%); highest among the groups gnomAD compares: Non-Finnish European, 0.00068%; no homozygotes.

Submissions (2):

Labcorp Genetics (formerly Invitae), Labcorp
Classification: Uncertain significance for Generalized epilepsy-paroxysmal dyskinesia syndrome. Last evaluated: 2024-12-07. Review status: criteria provided, single submitter. Criteria: Invitae Variant Classification Sherloc (09022015). Collection method: clinical testing. Allele origin: germline.
Comment: This sequence change replaces serine, which is neutral and polar, with phenylalanine, which is neutral and non-polar, at codon 1146 of the KCNMA1 protein (p.Ser1146Phe). This variant is not present in population databases (gnomAD no frequency). This variant has not been reported in the literature in individuals affected with KCNMA1-related conditions. ClinVar contains an entry for this variant (Variation ID: 1017052). An algorithm developed to predict the effect of missense changes on protein structure and function (PolyPhen-2) suggests that this variant is likely to be disruptive. In summary, the available evidence is currently insufficient to determine the role of this variant in disease. Therefore, it has been classified as a Variant of Uncertain Significance.

Blueprint Genetics
Classification: Uncertain significance. Last evaluated: 2022-11-02. Review status: criteria provided, single submitter. Criteria: ACMG Guidelines, 2015. Collection method: clinical testing. Allele origin: germline.

NM_001161352.2(KCNMA1):c.3611C>T (p.Ser1204Phe)

Gene: KCNMA1 (potassium calcium-activated channel subfamily M alpha 1; minus strand). Cytogenetic location: 10q22.3.
Variant type: single nucleotide variant.
Coding change: c.3611C>T on transcript NM_001161352.2 (MANE Select); coding-DNA position 3611, C replaced by T.
Protein change: p.Ser1204Phe; replaces serine 1204 with phenylalanine.
Molecular consequence: missense variant.
Genome position (GRCh38, 1-based): chr10:76,887,366, G>A on the plus strand (C>T on the coding strand, the complement: KCNMA1 is on the minus strand). VCF-style: chr10-76887366-G-A. GRCh37 (hg19) VCF-style: chr10-78647124-G-A.
Other names: c.3449C>T, p.Ser1150Phe (NM_001014797.3); c.3560C>T, p.Ser1187Phe (NM_001161353.2); c.3287C>T, p.Ser1096Phe (NM_001271518.2); c.3527C>T, p.Ser1176Phe (NM_001271519.2); c.3446C>T, p.Ser1149Phe (NM_001322829.2, NM_001322836.2); c.3539C>T, p.Ser1180Phe (NM_001322830.2); c.3437C>T, p.Ser1146Phe (NM_001322832.2, NM_002247.4); c.3530C>T, p.Ser1177Phe (NM_001322835.2, NM_001322837.2); and 1 more; short protein forms S1096F, S1146F, S1149F, S1150F, S1176F, S1177F, S1180F, S1187F.
Identifiers: ClinVar variation 1017052 (VCV001017052.10), dbSNP rs2037569843, ClinGen allele CA377402644.